The following is an entry in ClinVar:

NM_001276270.2(MBD4):c.1296G>C (p.Trp432Cys)

Gene: MBD4 (methyl-CpG binding domain 4, DNA glycosylase; minus strand). Cytogenetic location: 3q21.3.
Variant type: single nucleotide variant.
Coding change: c.1296G>C on transcript NM_001276270.2 (MANE Select); coding-DNA position 1296, G replaced by C.
Protein change: p.Trp432Cys; replaces tryptophan 432 with cysteine.
Molecular consequence: missense variant.
Genome position (GRCh38, 1-based): chr3:129,433,947, C>G on the plus strand (G>C on the coding strand, the complement: MBD4 is on the minus strand). VCF-style: chr3-129433947-C-G. GRCh37 (hg19) VCF-style: chr3-129152790-C-G.
Other names: c.1314G>C, p.Trp438Cys (NM_001276271.2, NM_001276272.2, NM_003925.3); c.360G>C, p.Trp120Cys (NM_001276273.2); short protein forms W432C, W438C, W120C.
Identifiers: ClinVar variation 3640124 (VCV003640124.3).

ClinVar aggregate classification (germline): Uncertain significance. Review status: criteria provided, multiple submitters, no conflicts (2 of 4 stars). 2 submissions from 2 submitters: Uncertain significance (2). Last evaluated 2025-01-23.

Conditions:
Inborn genetic diseases. Identifiers: MedGen C0950123, MeSH D030342.

Submissions (2):

Ambry Genetics
Classification: Uncertain significance for Inborn genetic diseases. Last evaluated: 2025-01-23. Review status: criteria provided, single submitter. Criteria: Ambry Variant Classification Scheme 2023. Collection method: clinical testing. Allele origin: germline.
Comment: The p.W432C variant (also known as c.1296G>C), located in coding exon 5 of the MBD4 gene, results from a G to C substitution at nucleotide position 1296. The tryptophan at codon 432 is replaced by cysteine, an amino acid with highly dissimilar properties. This amino acid position is conserved. In addition, the in silico prediction for this alteration is inconclusive. Based on the available evidence, the clinical significance of this variant remains unclear.

Labcorp Genetics (formerly Invitae), Labcorp
Classification: Uncertain significance. Last evaluated: 2024-02-11. Review status: criteria provided, single submitter. Criteria: Invitae Variant Classification Sherloc (09022015). Collection method: clinical testing. Allele origin: germline.
Comment: This sequence change replaces tryptophan, which is neutral and slightly polar, with cysteine, which is neutral and slightly polar, at codon 438 of the MBD4 protein (p.Trp438Cys). This variant is not present in population databases (gnomAD no frequency). This variant has not been reported in the literature in individuals affected with MBD4-related conditions. An algorithm developed to predict the effect of missense changes on protein structure and function (PolyPhen-2) suggests that this variant is likely to be disruptive. Algorithms developed to predict the effect of sequence changes on RNA splicing suggest that this variant may disrupt the consensus splice site. In summary, the available evidence is currently insufficient to determine the role of this variant in disease. Therefore, it has been classified as a Variant of Uncertain Significance.